The following is an entry in ClinVar:

ClinVar aggregate classification (germline): Pathogenic (1 of 4 stars; one submission).

Submission:

ISCA Site 6
Classification: Pathogenic. Last evaluated: 2011-08-12. Review status: criteria provided, single submitter. Criteria: Kaminsky et al. (Genet Med. 2011). Collection method: clinical testing. Allele origin: unknown. Affected: yes. Observed: 1 variant allele.
Comment: Copy number variation identified through the course of routine clinical cytogenomic testing in postnatal populations. Clinical assertions have been curated as described in Kaminsky et al. 2011.

GRCh38/hg38 4p16.3-15.32(chr4:85149-17486742)x1

Genes: ABLIM2 (actin binding LIM protein family member 2; minus strand), ACOX3 (acyl-CoA oxidase 3, pristanoyl; minus strand), ADD1 (adducin 1; plus strand), ADRA2C (adrenoceptor alpha 2C; plus strand), AFAP1 (actin filament associated protein 1; minus strand) and 670 more. Cytogenetic location: 4p16.3-15.32.
Variant type: copy number loss.
Change: copy number 1 (one copy instead of two) of chr4:85,149-17,486,742 (17.40 Mb, GRCh38 coordinates, 1-based), cytogenetic band 4p16.3-15.32.
Identifiers: ClinVar variation 57937 (VCV000057937.3).